The following is an entry in ClinVar:

NM_000492.4(CFTR):c.1706A>G (p.Tyr569Cys)

Gene: CFTR (CF transmembrane conductance regulator; plus strand). Cytogenetic location: 7q31.2.
Variant type: single nucleotide variant.
Coding change: c.1706A>G on transcript NM_000492.4 (MANE Select); coding-DNA position 1706, A replaced by G.
Protein change: p.Tyr569Cys; replaces tyrosine 569 with cysteine.
Molecular consequence: missense variant.
Genome position (GRCh38, 1-based): chr7:117,590,379, A>G. VCF-style: chr7-117590379-A-G. GRCh37 (hg19) VCF-style: chr7-117230433-A-G.
Other names: short protein forms Y569C.
Identifiers: ClinVar variation 53353 (VCV000053353.3), dbSNP rs397508277, ClinGen allele CA326625.
Genomic context (GRCh38, chr7:117,590,379, plus strand): 5'-AGGAAATGTAATTTAATTTCCATTTTCTTTTTAGAGCAGTATACAAAGATGCTGATTTGT[A>G]TTTATTAGACTCTCCTTTTGGATACCTAGATGTTTTAACAGAAAAAGAAATATTTGAAAG-3'
Protein context (NP_000483.3, residues 559-579): ARAVYKDADL[Tyr569Cys]LLDSPFGYLD

ClinVar aggregate classification (germline): Pathogenic. Review status: criteria provided, multiple submitters, no conflicts (2 of 4 stars). 3 submissions from 3 submitters: Pathogenic (2). 1 of the submissions does not count toward it. Last evaluated 2025-03-12.

Conditions:
CFTR-related disorder (CFTR-RD). Also called: CFTR-related disorders; CFTR-related condition. Identifiers: MedGen C5924204, MONDO:7770004.
Cystic fibrosis (CF). Also called: MUCOVISCIDOSIS. Identifiers: Orphanet 586, MedGen C0010674, MONDO:0009061, OMIM 219700. Disease mechanism: loss of function.

Submissions (3):

Natera, Inc.
Classification: Pathogenic for CFTR-related disorders. Last evaluated: 2025-03-12. Review status: criteria provided, single submitter. Criteria: Natera Variant Classification Schema (03/2026). Collection method: clinical testing. Allele origin: germline.
Comment: The c.1706A>G variant in CFTR is a missense variant predicted to cause substitution of tyrosine to cysteine at amino acid 569. This variant is rare in the general population with a frequency below the threshold expected for the associated phenotype(s). This variant has been observed in one or more individuals affected with the associated recessive disease, as either homozygous or compound heterozygous with a second variant (PMID: 8723693, 10923036, 11796434, 17627383, 27022295). A different variant at the same position has been determined to be Pathogenic or Likely Pathogenic. Computational prediction algorithms indicate this variant is likely to affect gene or protein function. Given the available evidence, this variant is classified as Pathogenic.

Mendelics
Classification: Pathogenic for Cystic fibrosis. Last evaluated: 2018-11-05. Review status: criteria provided, single submitter. Criteria: Mendelics Assertion Criteria 2017. Collection method: clinical testing. Allele origin: unknown. Affected: yes.

ClinVar Staff, National Center for Biotechnology Information (NCBI)
No classification provided. Condition: CFTR-related disorders. Review status: no classification provided. Collection method: literature only. Allele origin: germline. Affected: yes. Not counted in ClinVar's aggregate classification.

Literature cited by the submitters: PubMed 8723693 (cited by Natera, Inc. and ClinVar Staff, National Center for Biotechnology Information (NCBI)); PubMed 10923036 (cited by Natera, Inc.); PubMed 11796434 (cited by Natera, Inc.); PubMed 17627383 (cited by Natera, Inc.); PubMed 27022295 (cited by Natera, Inc.).